The following is an entry in ClinVar:

ClinVar aggregate classification (germline): Uncertain significance (1 of 4 stars; one submission).

Conditions:
Inborn genetic diseases. Identifiers: MedGen C0950123, MeSH D030342.

Submission:

Ambry Genetics
Classification: Uncertain significance for Inborn genetic diseases. Last evaluated: 2025-12-18. Review status: criteria provided, single submitter. Criteria: Ambry Variant Classification Scheme 2023. Collection method: clinical testing. Allele origin: germline.
Comment: The p.G162R variant (also known as c.484G>C), located in coding exon 5 of the PAX5 gene, results from a G to C substitution at nucleotide position 484. The glycine at codon 162 is replaced by arginine, an amino acid with dissimilar properties. This amino acid position is conserved. In addition, the in silico prediction for this alteration is inconclusive. Based on the available evidence, the clinical significance of this variant remains unclear.

NM_016734.3(PAX5):c.484G>C (p.Gly162Arg)

Genes: PAX5 (paired box 5; minus strand), LOC105376032 (uncharacterized LOC105376032; plus strand). Cytogenetic location: 9p13.2.
Variant type: single nucleotide variant.
Coding change: c.484G>C on transcript NM_016734.3 (MANE Select); coding-DNA position 484, G replaced by C.
Protein change: p.Gly162Arg; replaces glycine 162 with arginine.
Molecular consequence: missense variant. On other transcripts: non-coding transcript variant (4), intron variant (2).
Genome position (GRCh38, 1-based): chr9:37,002,768, C>G on the plus strand (G>C on the coding strand, the complement: PAX5 is on the minus strand). VCF-style: chr9-37002768-C-G. GRCh37 (hg19) VCF-style: chr9-37002765-C-G.
Other names: c.484G>C, p.Gly162Arg (NM_001280547.2, NM_001280548.2, NM_001280549.2 and 2 more transcripts); c.160G>C, p.Gly54Arg (NM_001280551.2, NM_001280556.2); c.286G>C, p.Gly96Arg (NM_001280555.2); c.475+3705G>C (NM_001280553.2, NM_001280554.2); short protein forms G54R, G96R, G162R.
Identifiers: ClinVar variation 4843875 (VCV004843875.1).